The following is an entry in ClinVar:

ClinVar aggregate classification (germline): Uncertain significance (1 of 4 stars; one submission).

Allele frequency attached by ClinVar (database versions not stated): gnomAD 0.00001; TOPMed 0.00002.
gnomAD v4.1: 1 of 1,612,534 alleles (0.000062%); highest among the groups gnomAD compares: African/African-American, 0.0013%; no homozygotes.

Submission:

Labcorp Genetics (formerly Invitae), Labcorp
Classification: Uncertain significance. Last evaluated: 2019-05-02. Review status: criteria provided, single submitter. Criteria: Invitae Variant Classification Sherloc (09022015). Collection method: clinical testing. Allele origin: germline.
Comment: In summary, the available evidence is currently insufficient to determine the role of this variant in disease. Therefore, it has been classified as a Variant of Uncertain Significance. Algorithms developed to predict the effect of sequence changes on RNA splicing suggest that this variant may disrupt the consensus splice site, but this prediction has not been confirmed by published transcriptional studies. This variant has not been reported in the literature in individuals with MTOR-related conditions. This variant is not present in population databases (ExAC no frequency). This sequence change falls in intron 55 of the MTOR gene. It does not directly change the encoded amino acid sequence of the MTOR protein.

NM_004958.4(MTOR):c.7448-10T>G

Gene: MTOR (mechanistic target of rapamycin kinase; minus strand). Cytogenetic location: 1p36.22.
Variant type: single nucleotide variant.
Coding change: c.7448-10T>G on transcript NM_004958.4 (MANE Select); 10 bases into the intron before coding-DNA position 7448, T replaced by G.
Molecular consequence: intron variant.
Genome position (GRCh38, 1-based): chr1:11,109,380, A>C on the plus strand (T>G on the coding strand, the complement: MTOR is on the minus strand). VCF-style: chr1-11109380-A-C. GRCh37 (hg19) VCF-style: chr1-11169437-A-C.
Identifiers: ClinVar variation 948317 (VCV000948317.9), dbSNP rs897950333, ClinGen allele CA17927978.